The following is an entry in ClinVar:

NM_003872.3(NRP2):c.2643C>G (p.Leu881=)

Gene: NRP2 (neuropilin 2; plus strand). Cytogenetic location: 2q33.3.
Variant type: single nucleotide variant.
Coding change: c.2643C>G on transcript NM_003872.3 (MANE Select); coding-DNA position 2643, C replaced by G.
Protein change: p.Leu881=; no amino-acid change (leucine 881 retained).
Molecular consequence: synonymous variant.
Genome position (GRCh38, 1-based): chr2:205,794,920, C>G. VCF-style: chr2-205794920-C-G. GRCh37 (hg19) VCF-style: chr2-206659644-C-G.
Other names: c.2658C>G, p.Leu886= (NM_201266.2); c.2592C>G, p.Leu864= (NM_201279.2).
Identifiers: ClinVar variation 3344765 (VCV003344765.1).
Genomic context (GRCh38, chr2:205,794,920, plus strand): 5'-CATCACCATCATCGCCATGAGCTCACTGGGCGTCCTCCTGGGGGCCACCTGTGCAGGCCT[C>G]CTGCTCTACTGCACCTGTTCCTACTCGGGCCTGAGCTCCCGAAGCTGCACCACACTGGAG-3'
Protein context (NP_003863.2, residues 871-891): GVLLGATCAG[Leu881=]LLYCTCSYSG

ClinVar aggregate classification (germline): Likely benign (0 of 4 stars; one submission).

Conditions:
NRP2-related disorder. Also called: NRP2-related condition.

Submission:

PreventionGenetics, part of Exact Sciences
Classification: Likely benign for NRP2-related condition. Last evaluated: 2024-04-26. Review status: no assertion criteria provided. Collection method: clinical testing. Allele origin: germline.
Comment: This variant is classified as likely benign based on ACMG/AMP sequence variant interpretation guidelines (Richards et al. 2015 PMID: 25741868, with internal and published modifications).